The following is an entry in ClinVar:

NM_014284.3(NCDN):c.428C>T (p.Pro143Leu)

Gene: NCDN (neurochondrin; plus strand). Cytogenetic location: 1p34.3.
Variant type: single nucleotide variant.
Coding change: c.428C>T on transcript NM_014284.3 (MANE Select); coding-DNA position 428, C replaced by T.
Protein change: p.Pro143Leu; replaces proline 143 with leucine.
Molecular consequence: missense variant.
Genome position (GRCh38, 1-based): chr1:35,560,579, C>T. VCF-style: chr1-35560579-C-T. GRCh37 (hg19) VCF-style: chr1-36026180-C-T.
Other names: c.428C>T, p.Pro143Leu (NM_001014839.2); c.377C>T, p.Pro126Leu (NM_001014841.2); short protein forms P126L, P143L.
Identifiers: ClinVar variation 4995162 (VCV004995162.1).

ClinVar aggregate classification (germline): Uncertain significance (1 of 4 stars; one submission).

Conditions:
NCDN-related disorder. Also called: NCDN-related condition.

gnomAD v4.1: 4 of 1,613,426 alleles (0.00025%); highest among the groups gnomAD compares: South Asian, 0.0022%; no homozygotes.

Submission:

PreventionGenetics, part of Exact Sciences
Classification: Uncertain significance for NCDN-related condition. Last evaluated: 2026-02-05. Review status: criteria provided, single submitter. Criteria: ACMG Guidelines, 2015. Collection method: clinical testing. Allele origin: germline.
Comment: The NCDN c.428C>T variant is predicted to result in the amino acid substitution p.Pro143Leu. To our knowledge, this variant has not been reported in the literature. This variant is reported in 0.0033% of alleles in individuals of South Asian descent in gnomAD. At this time, the clinical significance of this variant is uncertain due to the absence of conclusive functional and genetic evidence.